The following is an entry in ClinVar:

NM_005257.6(GATA6):c.1549A>G (p.Thr517Ala)

Gene: GATA6 (GATA binding protein 6; plus strand). Cytogenetic location: 18q11.2.
Variant type: single nucleotide variant.
Coding change: c.1549A>G on transcript NM_005257.6 (MANE Select); coding-DNA position 1549, A replaced by G.
Protein change: p.Thr517Ala; replaces threonine 517 with alanine.
Molecular consequence: missense variant.
Genome position (GRCh38, 1-based): chr18:22,182,972, A>G. VCF-style: chr18-22182972-A-G. GRCh37 (hg19) VCF-style: chr18-19762933-A-G.
Other names: short protein forms T517A.
Identifiers: ClinVar variation 3656713 (VCV003656713.2).

ClinVar aggregate classification (germline): Uncertain significance (1 of 4 stars; one submission).

Conditions:
Atrioventricular septal defect 5 (AVSD5). Identifiers: MedGen C3280939, MONDO:0013769, OMIM 614474.

gnomAD v4.1: 2 of 1,613,992 alleles (0.00012%); highest among the groups gnomAD compares: South Asian, 0.0011%; no homozygotes.

Submission:

Labcorp Genetics (formerly Invitae), Labcorp
Classification: Uncertain significance for Atrioventricular septal defect 5. Last evaluated: 2025-02-05. Review status: criteria provided, single submitter. Criteria: Invitae Variant Classification Sherloc (09022015). Collection method: clinical testing. Allele origin: germline.
Comment: This sequence change replaces threonine, which is neutral and polar, with alanine, which is neutral and non-polar, at codon 517 of the GATA6 protein (p.Thr517Ala). This variant is present in population databases (no rsID available, gnomAD 0.007%). This variant has not been reported in the literature in individuals affected with GATA6-related conditions. Invitae Evidence Modeling of protein sequence and biophysical properties (such as structural, functional, and spatial information, amino acid conservation, physicochemical variation, residue mobility, and thermodynamic stability) indicates that this missense variant is not expected to disrupt GATA6 protein function with a negative predictive value of 80%. In summary, the available evidence is currently insufficient to determine the role of this variant in disease. Therefore, it has been classified as a Variant of Uncertain Significance.